The following is an entry in ClinVar:

NM_170707.4(LMNA):c.334G>T (p.Glu112Ter)

Gene: LMNA (lamin A/C; plus strand). Cytogenetic location: 1q22.
Variant type: single nucleotide variant.
Coding change: c.334G>T on transcript NM_170707.4 (MANE Select); coding-DNA position 334, G replaced by T.
Protein change: p.Glu112Ter; replaces glutamic acid 112 with a stop codon.
Molecular consequence: nonsense.
Genome position (GRCh38, 1-based): chr1:156,115,252, G>T. VCF-style: chr1-156115252-G-T. GRCh37 (hg19) VCF-style: chr1-156085043-G-T.
Other names: c.334G>T, p.Glu112Ter (NM_001282625.2, NM_001282626.2, NM_005572.4 and 1 more transcripts); short protein forms E112*.
Identifiers: ClinVar variation 1434909 (VCV001434909.6), dbSNP rs1553262031, ClinGen allele CA342808861.

ClinVar aggregate classification (germline): Pathogenic (1 of 4 stars; one submission).

Conditions:
Charcot-Marie-Tooth disease type 2. Also called: Charcot-Marie-Tooth type 2. Identifiers: Orphanet 64746, MedGen C0270914, MONDO:0018993.

Submission:

Labcorp Genetics (formerly Invitae), Labcorp
Classification: Pathogenic for Charcot-Marie-Tooth disease type 2. Last evaluated: 2022-01-23. Review status: criteria provided, single submitter. Criteria: Invitae Variant Classification Sherloc (09022015). Collection method: clinical testing. Allele origin: germline.
Comment: For these reasons, this variant has been classified as Pathogenic. This variant has not been reported in the literature in individuals affected with LMNA-related conditions. This variant is not present in population databases (gnomAD no frequency). This sequence change creates a premature translational stop signal (p.Glu112*) in the LMNA gene. It is expected to result in an absent or disrupted protein product. Loss-of-function variants in LMNA are known to be pathogenic (PMID: 18585512, 18926329).

Literature cited by the submitters: PubMed 18585512; PubMed 18926329.